The following is an entry in ClinVar:

NM_139058.3(ARX):c.1225C>A (p.Pro409Thr)

Gene: ARX (aristaless related homeobox; minus strand). Cytogenetic location: Xp21.3.
Variant type: single nucleotide variant.
Coding change: c.1225C>A on transcript NM_139058.3 (MANE Select); coding-DNA position 1225, C replaced by A.
Protein change: p.Pro409Thr; replaces proline 409 with threonine.
Molecular consequence: missense variant.
Genome position (GRCh38, 1-based): chrX:25,007,334, G>T on the plus strand (C>A on the coding strand, the complement: ARX is on the minus strand). VCF-style: chrX-25007334-G-T. GRCh37 (hg19) VCF-style: chrX-25025451-G-T.
Other names: short protein forms P409T.
Identifiers: ClinVar variation 4996632 (VCV004996632.1).
Genomic context (GRCh38, chrX:25,007,334, plus strand): 5'-CGGAGTCGAGCGCCGGGTGGTGCGGAGGGAAGGGGCTGGCGTCCAGGTAGGGGCTGAGCG[G>T]GTGGGTGGCGGAGAGCGGCCCCGGGAAGGGCAGCCCAGGGGGGTGGGTCTGCGCGCCTGC-3'
Protein context (NP_620689.1, residues 399-419): PFPGPLSATH[Pro409Thr]LSPYLDASPF

ClinVar aggregate classification (germline): Uncertain significance (1 of 4 stars; one submission).

Conditions:
ARX-related disorder. Also called: ARX-related condition; ARX-Related Disorders. Identifiers: MedGen CN378769.

Submission:

PreventionGenetics, part of Exact Sciences
Classification: Uncertain significance for ARX-related condition. Last evaluated: 2025-09-15. Review status: criteria provided, single submitter. Criteria: ACMG Guidelines, 2015. Collection method: clinical testing. Allele origin: germline.
Comment: The ARX c.1225C>A variant is predicted to result in the amino acid substitution p.Pro409Thr. To our knowledge, this variant has not been reported in the literature or in a large population database (gnomAD), indicating this variant is rare. At this time, the clinical significance of this variant is uncertain due to the absence of conclusive functional and genetic evidence.